The following is an entry in ClinVar:

NM_021098.3(CACNA1H):c.5521G>A (p.Val1841Met)

Gene: CACNA1H (calcium voltage-gated channel subunit alpha1 H; plus strand). Cytogenetic location: 16p13.3.
Variant type: single nucleotide variant.
Coding change: c.5521G>A on transcript NM_021098.3 (MANE Select); coding-DNA position 5521, G replaced by A.
Protein change: p.Val1841Met; replaces valine 1841 with methionine.
Molecular consequence: missense variant.
Genome position (GRCh38, 1-based): chr16:1,218,285, G>A. VCF-style: chr16-1218285-G-A. GRCh37 (hg19) VCF-style: chr16-1268285-G-A.
Other names: c.5503G>A, p.Val1835Met (NM_001005407.2); short protein forms V1841M, V1835M.
Identifiers: ClinVar variation 573317 (VCV000573317.14), dbSNP rs370975488, ClinGen allele CA7802063.

ClinVar aggregate classification (germline): Uncertain significance. Review status: criteria provided, multiple submitters, no conflicts (2 of 4 stars). 3 submissions from 3 submitters: Uncertain significance (3). Last evaluated 2025-06-12.

Conditions:
Hyperaldosteronism, familial, type IV (HALD4). Also called: FH IV; ALDOSTERONISM, PRIMARY, AND HYPERTENSION. Identifiers: Orphanet 642671, MedGen C4310756, MONDO:0014875, OMIM 617027.
Idiopathic generalized epilepsy. Also called: Generalised epilepsy; EIG. Identifiers: MedGen C0270850, MONDO:0005579, OMIM 600669.
Epilepsy, childhood absence, susceptibility to, 6. Identifiers: Orphanet 64280, MedGen C2749872, MONDO:0012763, OMIM 611942.
Inborn genetic diseases. Identifiers: MedGen C0950123, MeSH D030342.

Allele frequency attached by ClinVar (database versions not stated): ExAC 0.00005; gnomAD exomes 0.00007 and 0.00008; ESP Exome Variant Server 0.00008; gnomAD 0.00013 and 0.00015; TOPMed 0.00014; 1000 Genomes Project 0.00020; 1000 Genomes Project 30x 0.00031.
gnomAD v4.1: 132 of 1,553,196 alleles (0.0085%); highest among the groups gnomAD compares: African/African-American, 0.033%; no homozygotes.

Submissions (3):

Labcorp Genetics (formerly Invitae), Labcorp
Classification: Uncertain significance for Idiopathic generalized epilepsy; Hyperaldosteronism, familial, type IV. Last evaluated: 2025-06-12. Review status: criteria provided, single submitter. Criteria: Invitae Variant Classification Sherloc (09022015). Collection method: clinical testing. Allele origin: germline.
Comment: This sequence change replaces valine, which is neutral and non-polar, with methionine, which is neutral and non-polar, at codon 1841 of the CACNA1H protein (p.Val1841Met). This variant is present in population databases (rs370975488, gnomAD 0.03%). This variant has not been reported in the literature in individuals affected with CACNA1H-related conditions. ClinVar contains an entry for this variant (Variation ID: 573317). Invitae Evidence Modeling of protein sequence and biophysical properties (such as structural, functional, and spatial information, amino acid conservation, physicochemical variation, residue mobility, and thermodynamic stability) indicates that this missense variant is expected to disrupt CACNA1H protein function with a positive predictive value of 80%. In summary, the available evidence is currently insufficient to determine the role of this variant in disease. Therefore, it has been classified as a Variant of Uncertain Significance.

Ambry Genetics
Classification: Uncertain significance for Inborn genetic diseases. Last evaluated: 2024-02-13. Review status: criteria provided, single submitter. Criteria: Ambry Variant Classification Scheme 2023. Collection method: clinical testing. Allele origin: germline.

Fulgent Genetics
Classification: Uncertain significance for Epilepsy, childhood absence, susceptibility to, 6; Hyperaldosteronism, familial, type IV. Last evaluated: 2022-02-10. Review status: criteria provided, single submitter. Criteria: ACMG Guidelines, 2015. Collection method: clinical testing. Allele origin: unknown.